The following is an entry in ClinVar:

ClinVar aggregate classification (germline): Conflicting classifications of pathogenicity. Review status: criteria provided, conflicting classifications (1 of 4 stars). 2 submissions from 2 submitters: Pathogenic (1); Uncertain significance (1). Last evaluated 2026-07-01.

Conditions:
Glycogen storage disease, type II (IOPD). Also called: CARDIOMEGALIA GLYCOGENICA DIFFUSA; GLYCOGENOSIS, GENERALIZED, CARDIAC FORM; GSD II; Glycogen storage disease type 2; Acid maltase deficiency disease; Aglucosidase alfa. Identifiers: Orphanet 365, MedGen C0017921, MONDO:0009290, OMIM 232300.

Submissions (2):

Genomenon, Inc
Classification: Uncertain significance for Glycogen storage disease, type II. Last evaluated: 2026-07-01. Review status: criteria provided, single submitter. Criteria: Genomenon Sequence Variant Interpretation Standards - Updated. Collection method: curation. Allele origin: germline. Affected: yes.
Comment: GAA p.Leu699Pro (c.2096T>C) is a missense variant that changes the amino acid at codon 699 from Leucine to Proline. This variant has been observed in at least one proband with a GAA-related disorder (PMID:32711049). It is absent or not present at a significant frequency in gnomAD. In conclusion, we classify GAA p.Leu699Pro (c.2096T>C) as a variant of uncertain significance.

Labcorp Genetics (formerly Invitae), Labcorp
Classification: Pathogenic for Glycogen storage disease, type II. Last evaluated: 2023-10-04. Review status: criteria provided, single submitter. Criteria: Invitae Variant Classification Sherloc (09022015). Collection method: clinical testing. Allele origin: germline.
Comment: This sequence change replaces leucine, which is neutral and non-polar, with proline, which is neutral and non-polar, at codon 699 of the GAA protein (p.Leu699Pro). This variant is not present in population databases (gnomAD no frequency). This missense change has been observed in individual(s) with Pompe disease (PMID: 32711049). Advanced modeling of protein sequence and biophysical properties (such as structural, functional, and spatial information, amino acid conservation, physicochemical variation, residue mobility, and thermodynamic stability) performed at Invitae indicates that this missense variant is expected to disrupt GAA protein function. For these reasons, this variant has been classified as Pathogenic.

Literature cited by the submitters: PubMed 32711049 (cited by Genomenon, Inc and Labcorp Genetics (formerly Invitae), Labcorp).

NM_000152.5(GAA):c.2096T>C (p.Leu699Pro)

Gene: GAA (alpha glucosidase; plus strand). Cytogenetic location: 17q25.3.
Variant type: single nucleotide variant.
Coding change: c.2096T>C on transcript NM_000152.5 (MANE Select); coding-DNA position 2096, T replaced by C.
Protein change: p.Leu699Pro; replaces leucine 699 with proline.
Molecular consequence: missense variant.
Genome position (GRCh38, 1-based): chr17:80,113,273, T>C. VCF-style: chr17-80113273-T-C. GRCh37 (hg19) VCF-style: chr17-78087072-T-C.
Other names: c.2096T>C, p.Leu699Pro (NM_001079803.3, NM_001079804.3, NM_001406741.1 and 1 more transcripts); short protein forms L699P.
Identifiers: ClinVar variation 2892105 (VCV002892105.4), dbSNP rs1555601748, ClinGen allele CA401370489.